The following is an entry in ClinVar:

NM_201548.5(CERKL):c.156C>T (p.Phe52=)

Gene: CERKL (CERK like autophagy regulator; minus strand). Cytogenetic location: 2q31.3.
Variant type: single nucleotide variant.
Coding change: c.156C>T on transcript NM_201548.5 (MANE Select); coding-DNA position 156, C replaced by T.
Protein change: p.Phe52=; no amino-acid change (phenylalanine 52 retained).
Molecular consequence: synonymous variant. On other transcripts: non-coding transcript variant (2).
Genome position (GRCh38, 1-based): chr2:181,656,851, G>A on the plus strand (C>T on the coding strand, the complement: CERKL is on the minus strand). VCF-style: chr2-181656851-G-A. GRCh37 (hg19) VCF-style: chr2-182521578-G-A.
Other names: c.156C>T, p.Phe52= (NM_001030311.3, NM_001030312.3, NM_001030313.3 and 1 more transcripts).
Identifiers: ClinVar variation 166849 (VCV000166849.29), dbSNP rs1473295, ClinGen allele CA179872.

ClinVar aggregate classification (germline): Benign. Review status: criteria provided, multiple submitters, no conflicts (2 of 4 stars). 13 submissions from 13 submitters: Benign (10). 3 of the submissions do not count toward it. Last evaluated 2026-02-04.

Conditions:
Retinal dystrophy. Also called: Inherited retinal dystrophy. Identifiers: Orphanet 71862, MedGen C0854723, MeSH D058499, MONDO:0019118, HP:0000556.
Retinitis pigmentosa (RP). Identifiers: Orphanet 791, MedGen C0035334, MeSH D012174, MONDO:0019200, OMIM 268000. Inheritance: Autosomal dominant, autosomal recessive and X linked inheritance.
Retinitis pigmentosa 26 (RP26). Identifiers: Orphanet 791, MedGen C1842127, MONDO:0012024, OMIM 608380.

Allele frequency attached by ClinVar (database versions not stated): ESP Exome Variant Server 0.40203; gnomAD 0.40745; TOPMed 0.42178; 1000 Genomes Project 30x 0.49891; 1000 Genomes Project 0.50739; ExAC 0.52571; gnomAD exomes 0.52762.
gnomAD v4.1: 786,057 of 1,601,126 alleles (49%); highest among the groups gnomAD compares: South Asian, 78%; 202,088 homozygotes.

Submissions (13):

Labcorp Genetics (formerly Invitae), Labcorp
Classification: Benign. Last evaluated: 2026-02-04. Review status: criteria provided, single submitter. Criteria: Invitae Variant Classification Sherloc (09022015). Collection method: clinical testing. Allele origin: germline.

Blueprint Genetics
Classification: Benign. Last evaluated: 2024-11-26. Review status: criteria provided, single submitter. Criteria: ACMG Guidelines, 2015. Collection method: clinical testing. Allele origin: germline.

Dept Of Ophthalmology, Nagoya University
Classification: Benign for Retinal dystrophy. Last evaluated: 2023-10-01. Review status: criteria provided, single submitter. Criteria: Submitter's publication. Collection method: research. Allele origin: germline. Affected: yes.

Women's Health and Genetics/Laboratory Corporation of America, LabCorp
Classification: Benign. Last evaluated: 2021-12-03. Review status: criteria provided, single submitter. Criteria: LabCorp Variant Classification Summary - May 2015. Collection method: clinical testing. Allele origin: germline.

Genome-Nilou Lab
Classification: Benign for Retinitis pigmentosa 26. Last evaluated: 2021-07-22. Review status: criteria provided, single submitter. Criteria: ACMG Guidelines, 2015. Collection method: clinical testing. Allele origin: germline. Affected: no.

Illumina Laboratory Services, Illumina
Classification: Benign for Retinitis pigmentosa. Last evaluated: 2018-01-13. Review status: criteria provided, single submitter. Criteria: ICSL Variant Classification Criteria 13 December 2019. Collection method: clinical testing. Allele origin: germline.
Comment: This variant was observed in the ICSL laboratory as part of a predisposition screen in an ostensibly healthy population. It had not been previously curated by ICSL or reported in the Human Gene Mutation Database (HGMD: prior to June 1st, 2018), and was therefore a candidate for classification through an automated scoring system. Utilizing variant allele frequency, disease prevalence and penetrance estimates, and inheritance mode, an automated score was calculated to assess if this variant is too frequent to cause the disease. Based on the score and internal cut-off values, a variant classified as benign is not then subjected to further curation. The score for this variant resulted in a classification of benign for this disease.

GeneDx
Classification: Benign. Last evaluated: 2015-03-03. Review status: criteria provided, single submitter. Criteria: GeneDx Variant Classification Process June 2021. Collection method: clinical testing. Allele origin: germline. Affected: yes.

Eurofins Ntd Llc (ga)
Classification: Benign. Last evaluated: 2014-04-29. Review status: criteria provided, single submitter. Criteria: EGL Classification Definitions 2015. Collection method: clinical testing. Allele origin: germline. Observed: 3 variant alleles, 3 heterozygotes.

Breakthrough Genomics
Classification: Benign. Review status: criteria provided, single submitter. Criteria: ACMG Guidelines, 2015. Collection method: not provided. Allele origin: germline. Inheritance: Autosomal recessive inheritance. Affected: yes.

PreventionGenetics, part of Exact Sciences
Classification: Benign. Review status: criteria provided, single submitter. Criteria: ACMG Guidelines, 2015. Collection method: clinical testing. Allele origin: germline.

Natera, Inc.
Classification: Benign for Retinitis Pigmentosa 26. Last evaluated: 2019-11-19. Review status: no assertion criteria provided. Collection method: clinical testing. Allele origin: germline. Not counted in ClinVar's aggregate classification.

Diagnostic Laboratory, Department of Genetics, University Medical Center Groningen
Classification: Benign. Review status: no assertion criteria provided. Collection method: clinical testing. Allele origin: germline. Affected: yes. Study: VKGL Data-share Consensus. Not counted in ClinVar's aggregate classification.

Joint Genome Diagnostic Labs from Nijmegen and Maastricht, Radboudumc and MUMC+
Classification: Benign. Review status: no assertion criteria provided. Collection method: clinical testing. Allele origin: germline. Affected: yes. Study: VKGL Data-share Consensus. Not counted in ClinVar's aggregate classification.